The following is an entry in ClinVar:

NM_021035.3(ZNFX1):c.4221G>A (p.Lys1407=)

Gene: ZNFX1 (zinc finger NFX1-type containing 1; minus strand). Cytogenetic location: 20q13.13.
Variant type: single nucleotide variant.
Coding change: c.4221G>A on transcript NM_021035.3 (MANE Select); coding-DNA position 4221, G replaced by A.
Protein change: p.Lys1407=; no amino-acid change (lysine 1407 retained).
Molecular consequence: synonymous variant.
Genome position (GRCh38, 1-based): chr20:49,248,803, C>T on the plus strand (G>A on the coding strand, the complement: ZNFX1 is on the minus strand). VCF-style: chr20-49248803-C-T. GRCh37 (hg19) VCF-style: chr20-47865340-C-T.
Identifiers: ClinVar variation 3037779 (VCV003037779.3), dbSNP rs149086752, ClinGen allele CA9901922.

ClinVar aggregate classification (germline): Likely benign. Review status: criteria provided, single submitter (1 of 4 stars). 2 submissions from 2 submitters: Likely benign (1). 1 of the submissions does not count toward it. Last evaluated 2024-11-25.

Conditions:
ZNFX1-related disorder. Also called: ZNFX1-related condition.

Allele frequency attached by ClinVar (database versions not stated): ExAC 0.00109; TOPMed 0.00149; gnomAD 0.00153; ESP Exome Variant Server 0.00154; 1000 Genomes Project 0.00160; 1000 Genomes Project 30x 0.00187; gnomAD exomes 0.00199.
gnomAD v4.1: 3,134 of 1,613,402 alleles (0.19%); highest among the groups gnomAD compares: Admixed American, 0.25%; 5 homozygotes.

Submissions (2):

Blueprint Genetics
Classification: Likely benign. Last evaluated: 2024-11-25. Review status: criteria provided, single submitter. Criteria: ACMG Guidelines, 2015. Collection method: clinical testing. Allele origin: germline.

PreventionGenetics, part of Exact Sciences
Classification: Likely benign for ZNFX1-related condition. Last evaluated: 2023-11-22. Review status: no assertion criteria provided. Collection method: clinical testing. Allele origin: germline. Not counted in ClinVar's aggregate classification.
Comment: This variant is classified as likely benign based on ACMG/AMP sequence variant interpretation guidelines (Richards et al. 2015 PMID: 25741868, with internal and published modifications).